The following is an entry in ClinVar:

NM_015557.3(CHD5):c.2038G>T (p.Val680Leu)

Gene: CHD5 (chromodomain helicase DNA binding protein 5; minus strand). Cytogenetic location: 1p36.31.
Variant type: single nucleotide variant.
Coding change: c.2038G>T on transcript NM_015557.3 (MANE Select); coding-DNA position 2038, G replaced by T.
Protein change: p.Val680Leu; replaces valine 680 with leucine.
Molecular consequence: missense variant.
Genome position (GRCh38, 1-based): chr1:6,143,828, C>A on the plus strand (G>T on the coding strand, the complement: CHD5 is on the minus strand). VCF-style: chr1-6143828-C-A. GRCh37 (hg19) VCF-style: chr1-6203888-C-A.
Other names: short protein forms V680L.
Identifiers: ClinVar variation 3049170 (VCV003049170.2), dbSNP rs139532134, ClinGen allele CA556877.

ClinVar aggregate classification (germline): Likely benign (0 of 4 stars; one submission).

Conditions:
CHD5-related disorder. Also called: CHD5-related condition.

Allele frequency attached by ClinVar (database versions not stated): TOPMed 0.00047; gnomAD 0.00059; 1000 Genomes Project 0.00060; 1000 Genomes Project 30x 0.00062; gnomAD exomes 0.00071; ESP Exome Variant Server 0.00077; ExAC 0.00087.
gnomAD v4.1: 1,147 of 1,609,758 alleles (0.071%); highest among the groups gnomAD compares: South Asian, 0.12%; 3 homozygotes.

Submission:

PreventionGenetics, part of Exact Sciences
Classification: Likely benign for CHD5-related condition. Last evaluated: 2023-08-04. Review status: no assertion criteria provided. Collection method: clinical testing. Allele origin: germline.
Comment: This variant is classified as likely benign based on ACMG/AMP sequence variant interpretation guidelines (Richards et al. 2015 PMID: 25741868, with internal and published modifications).